The following is an entry in ClinVar:

ClinVar aggregate classification (germline): Pathogenic/Likely pathogenic. Review status: criteria provided, multiple submitters, no conflicts (2 of 4 stars). 2 submissions from 2 submitters: Pathogenic (1); Likely pathogenic (1). Last evaluated 2023-10-19.

Conditions:
Fanconi anemia (FA). Also called: Fanconi's anemia. Identifiers: Orphanet 84, MedGen C0015625, MeSH D005199, MONDO:0019391.
Fanconi anemia complementation group G. Also called: Fanconi anemia group G; FANCG-Related Fanconi Anemia. Identifiers: Orphanet 84, MedGen C3469527, MONDO:0013565, OMIM 614082.

Allele frequency attached by ClinVar (database versions not stated): gnomAD 0.00001.

Submissions (2):

Baylor Genetics
Classification: Likely pathogenic for Fanconi anemia complementation group G. Last evaluated: 2023-10-19. Review status: criteria provided, single submitter. Criteria: ACMG Guidelines, 2015. Collection method: clinical testing. Allele origin: unknown.

Labcorp Genetics (formerly Invitae), Labcorp
Classification: Pathogenic for Fanconi anemia. Last evaluated: 2023-01-17. Review status: criteria provided, single submitter. Criteria: Invitae Variant Classification Sherloc (09022015). Collection method: clinical testing. Allele origin: germline.
Comment: This sequence change creates a premature translational stop signal (p.Asn311Glufs*14) in the FANCG gene. It is expected to result in an absent or disrupted protein product. Loss-of-function variants in FANCG are known to be pathogenic (PMID: 12552564). This variant is present in population databases (no rsID available, gnomAD 0.01%). This variant has not been reported in the literature in individuals affected with FANCG-related conditions. For these reasons, this variant has been classified as Pathogenic.

Literature cited by the submitters: PubMed 12552564 (cited by Labcorp Genetics (formerly Invitae), Labcorp).

NM_004629.2(FANCG):c.930dup (p.Asn311fs)

Gene: FANCG (FA complementation group G; minus strand). Cytogenetic location: 9p13.3.
Variant type: Duplication.
Coding change: c.930dup on transcript NM_004629.2 (MANE Select); coding-DNA position 930, one base duplicated (G; older notation c.930dupG).
Protein change: p.Asn311fs; shifts the reading frame from asparagine 311.
Molecular consequence: frameshift variant.
Genome position (GRCh38, 1-based): chr9:35,076,578, C duplicated on the plus strand (G on the coding strand, the reverse complement: FANCG is on the minus strand). VCF-style (leftmost placement, unchanged base first): chr9-35076577-T-TC. GRCh37 (hg19) VCF-style: chr9-35076574-T-TC.
Other names: short protein forms N311fs.
Identifiers: ClinVar variation 2675567 (VCV002675567.4), dbSNP rs1251968708, ClinGen allele CA587245259.